The following is an entry in ClinVar:

ClinVar aggregate classification (germline): Uncertain significance. Review status: criteria provided, multiple submitters, no conflicts (2 of 4 stars). 3 submissions from 3 submitters: Uncertain significance (3). Last evaluated 2025-12-01.

Conditions:
Hereditary cancer-predisposing syndrome. Also called: Hereditary Cancer Syndrome; Tumor predisposition; Hereditary neoplastic syndrome; Neoplastic Syndromes, Hereditary. Identifiers: Orphanet 140162, MedGen C0027672, MeSH D009386, MONDO:0015356.
Endometrial carcinoma. Also called: Endometrial carcinoma, somatic. Identifiers: MedGen C0476089, MONDO:0002447, OMIM 608089, HP:0012114.

Allele frequency attached by ClinVar (database versions not stated): gnomAD 0.00001; TOPMed 0.00001.
gnomAD v4.1: 44 of 1,613,840 alleles (0.0027%); highest among the groups gnomAD compares: East Asian, 0.0045%; no homozygotes.

Submissions (3):

Labcorp Genetics (formerly Invitae), Labcorp
Classification: Uncertain significance. Last evaluated: 2025-12-01. Review status: criteria provided, single submitter. Criteria: Invitae Variant Classification Sherloc (09022015). Collection method: clinical testing. Allele origin: germline.
Comment: This sequence change replaces serine, which is neutral and polar, with leucine, which is neutral and non-polar, at codon 598 of the MSH3 protein (p.Ser598Leu). This variant is present in population databases (rs757559761, gnomAD 0.003%). This variant has not been reported in the literature in individuals affected with MSH3-related conditions. ClinVar contains an entry for this variant (Variation ID: 645278). An algorithm developed to predict the effect of missense changes on protein structure and function (PolyPhen-2) suggests that this variant is likely to be disruptive. In summary, the available evidence is currently insufficient to determine the role of this variant in disease. Therefore, it has been classified as a Variant of Uncertain Significance.

Ambry Genetics
Classification: Uncertain significance for Hereditary cancer-predisposing syndrome. Last evaluated: 2024-06-20. Review status: criteria provided, single submitter. Criteria: Ambry Variant Classification Scheme 2023. Collection method: clinical testing. Allele origin: germline.
Comment: The p.S598L variant (also known as c.1793C>T), located in coding exon 13 of the MSH3 gene, results from a C to T substitution at nucleotide position 1793. The serine at codon 598 is replaced by leucine, an amino acid with dissimilar properties. This amino acid position is well conserved in available vertebrate species. In addition, the in silico prediction for this alteration is inconclusive. Since supporting evidence is limited at this time, the clinical significance of this alteration remains unclear.

Baylor Genetics
Classification: Uncertain significance for Endometrial carcinoma. Last evaluated: 2023-09-28. Review status: criteria provided, single submitter. Criteria: ACMG Guidelines, 2015. Collection method: clinical testing. Allele origin: unknown.

NM_002439.5(MSH3):c.1793C>T (p.Ser598Leu)

Gene: MSH3 (mutS homolog 3; plus strand). Cytogenetic location: 5q14.1.
Variant type: single nucleotide variant.
Coding change: c.1793C>T on transcript NM_002439.5 (MANE Select); coding-DNA position 1793, C replaced by T.
Protein change: p.Ser598Leu; replaces serine 598 with leucine.
Molecular consequence: missense variant.
Genome position (GRCh38, 1-based): chr5:80,761,575, C>T. VCF-style: chr5-80761575-C-T. GRCh37 (hg19) VCF-style: chr5-80057394-C-T.
Other names: short protein forms S598L.
Identifiers: ClinVar variation 645278 (VCV000645278.14), dbSNP rs757559761, ClinGen allele CA3328048.